The following is an entry in ClinVar:

ClinVar aggregate classification (germline): Uncertain significance (1 of 4 stars; one submission).

Conditions:
Brugada syndrome. Also called: Sudden unexplained nocturnal death syndrome; Sudden unexpected nocturnal death syndrome; Sudden Unexplained Death Syndrome; Sudden Unexplained Nocturnal Death Syndrome (SUNDS). Identifiers: Orphanet 130, MedGen C1142166, MONDO:0015263.

Submission:

Labcorp Genetics (formerly Invitae), Labcorp
Classification: Uncertain significance for Brugada syndrome. Last evaluated: 2024-04-23. Review status: criteria provided, single submitter. Criteria: Invitae Variant Classification Sherloc (09022015). Collection method: clinical testing. Allele origin: germline.
Comment: This sequence change replaces tyrosine, which is neutral and polar, with serine, which is neutral and polar, at codon 1071 of the CACNA2D1 protein (p.Tyr1071Ser). This variant is not present in population databases (gnomAD no frequency). This variant has not been reported in the literature in individuals affected with CACNA2D1-related conditions. ClinVar contains an entry for this variant (Variation ID: 1505740). Algorithms developed to predict the effect of missense changes on protein structure and function output the following: SIFT: "Not Available"; PolyPhen-2: "Benign"; Align-GVGD: "Not Available". The serine amino acid residue is found in multiple mammalian species, which suggests that this missense change does not adversely affect protein function. In summary, the available evidence is currently insufficient to determine the role of this variant in disease. Therefore, it has been classified as a Variant of Uncertain Significance.

NM_000722.4(CACNA2D1):c.3212A>C (p.Tyr1071Ser)

Gene: CACNA2D1 (calcium voltage-gated channel auxiliary subunit alpha2delta 1; minus strand). Cytogenetic location: 7q21.11.
Variant type: single nucleotide variant.
Coding change: c.3212A>C on transcript NM_000722.4 (MANE Select); coding-DNA position 3212, A replaced by C.
Protein change: p.Tyr1071Ser; replaces tyrosine 1071 with serine.
Molecular consequence: missense variant.
Genome position (GRCh38, 1-based): chr7:81,950,456, T>G on the plus strand (A>C on the coding strand, the complement: CACNA2D1 is on the minus strand). VCF-style: chr7-81950456-T-G. GRCh37 (hg19) VCF-style: chr7-81579772-T-G.
Other names: c.3248A>C, p.Tyr1083Ser (NM_001366867.1); short protein forms Y1083S, Y1071S.
Identifiers: ClinVar variation 1505740 (VCV001505740.8), dbSNP rs956966352, ClinGen allele CA367880337.